The following is an entry in ClinVar:

ClinVar aggregate classification (germline): Uncertain significance (1 of 4 stars; one submission).

Allele frequency attached by ClinVar (database versions not stated): gnomAD exomes below 0.00001.
gnomAD v4.1: 1 of 1,211,868 alleles (0.000083%); highest among the groups gnomAD compares: African/African-American, 0.0017%; no homozygotes.

Submission:

CeGaT Center for Human Genetics Tuebingen
Classification: Uncertain significance. Last evaluated: 2024-01-01. Review status: criteria provided, single submitter. Criteria: CeGaT Center For Human Genetics Tuebingen Variant Classification Criteria Version 2. Collection method: clinical testing. Allele origin: germline. Affected: yes. Observed: 1 variant allele.
Comment: ALAS2: PM2, BP4

NM_000032.5(ALAS2):c.463G>C (p.Glu155Gln)

Gene: ALAS2 (5'-aminolevulinate synthase 2; minus strand). Cytogenetic location: Xp11.21.
Variant type: single nucleotide variant.
Coding change: c.463G>C on transcript NM_000032.5 (MANE Select); coding-DNA position 463, G replaced by C.
Protein change: p.Glu155Gln; replaces glutamic acid 155 with glutamine.
Molecular consequence: missense variant.
Genome position (GRCh38, 1-based): chrX:55,021,227, C>G on the plus strand (G>C on the coding strand, the complement: ALAS2 is on the minus strand). VCF-style: chrX-55021227-C-G. GRCh37 (hg19) VCF-style: chrX-55047660-C-G.
Other names: c.352G>C, p.Glu118Gln (NM_001037967.4); c.424G>C, p.Glu142Gln (NM_001037968.4); short protein forms E118Q, E142Q, E155Q.
Identifiers: ClinVar variation 3027162 (VCV003027162.22), dbSNP rs2519587779, ClinGen allele CA413295751.
Genomic context (GRCh38, chrX:55,021,227, plus strand): 5'-ATGCATCAGCCCAGCGGTTCACAGTCTTGAACACACGGTAGGTGTGATCCTGTTTCTTCT[C>G]CATGATCTTGTCCCTGAAAAACTGGTCATAACTGAAGACATAGTTTCCTGCAGGAGCAGA-3'
Protein context (NP_000023.2, residues 145-165): YDQFFRDKIM[Glu155Gln]KKQDHTYRVF